The following is an entry in ClinVar:

NM_201253.3(CRB1):c.666A>T (p.Glu222Asp)

Gene: CRB1 (crumbs cell polarity complex component 1; plus strand). Cytogenetic location: 1q31.3.
Variant type: single nucleotide variant.
Coding change: c.666A>T on transcript NM_201253.3 (MANE Select); coding-DNA position 666, A replaced by T.
Protein change: p.Glu222Asp; replaces glutamic acid 222 with aspartic acid.
Molecular consequence: missense variant. On other transcripts: non-coding transcript variant (2), intron variant (1).
Genome position (GRCh38, 1-based): chr1:197,344,294, A>T. VCF-style: chr1-197344294-A-T. GRCh37 (hg19) VCF-style: chr1-197313424-A-T.
Other names: c.459A>T, p.Glu153Asp (NM_001257965.2); c.666A>T, p.Glu222Asp (NM_001257966.2); c.653-12537A>T (NM_001193640.2); short protein forms E153D, E222D.
Identifiers: ClinVar variation 1520060 (VCV001520060.8), dbSNP rs1659641198, ClinGen allele CA344083081.

ClinVar aggregate classification (germline): Uncertain significance (1 of 4 stars; one submission).

Conditions:
Leber congenital amaurosis 8 (LCA8). Identifiers: Orphanet 65, MedGen C3151202, MONDO:0013453, OMIM 613835.
Retinitis pigmentosa 12 (RP12). Also called: RP WITH OR WITHOUT PPRPE; RP WITH OR WITHOUT PRESERVED PARAARTERIOLE RETINAL PIGMENT EPITHELIUM; RETINITIS PIGMENTOSA WITH OR WITHOUT PARAARTERIOLAR PRESERVATION OF RETINAL PIGMENT EPITHELIUM. Identifiers: Orphanet 791, MedGen C1838647, MONDO:0010818, OMIM 600105.

Allele frequency attached by ClinVar (database versions not stated): TOPMed below 0.00001.
gnomAD v4.1: 1 of 1,614,142 alleles (0.000062%); highest among the groups gnomAD compares: Non-Finnish European, 0.000085%; no homozygotes.

Submission:

Labcorp Genetics (formerly Invitae), Labcorp
Classification: Uncertain significance for Leber congenital amaurosis 8; Retinitis pigmentosa 12. Last evaluated: 2021-03-10. Review status: criteria provided, single submitter. Criteria: Invitae Variant Classification Sherloc (09022015). Collection method: clinical testing. Allele origin: germline.
Comment: This sequence change replaces glutamic acid with aspartic acid at codon 222 of the CRB1 protein (p.Glu222Asp). The glutamic acid residue is highly conserved and there is a small physicochemical difference between glutamic acid and aspartic acid. This variant is not present in population databases (ExAC no frequency). This variant has not been reported in the literature in individuals with CRB1-related conditions. Algorithms developed to predict the effect of missense changes on protein structure and function (SIFT, PolyPhen-2, Align-GVGD) all suggest that this variant is likely to be disruptive, but these predictions have not been confirmed by published functional studies and their clinical significance is uncertain. In summary, the available evidence is currently insufficient to determine the role of this variant in disease. Therefore, it has been classified as a Variant of Uncertain Significance.